The following is an entry in ClinVar:

NM_170707.4(LMNA):c.110A>G (p.Glu37Gly)

Gene: LMNA (lamin A/C; plus strand). Cytogenetic location: 1q22.
Variant type: single nucleotide variant.
Coding change: c.110A>G on transcript NM_170707.4 (MANE Select); coding-DNA position 110, A replaced by G.
Protein change: p.Glu37Gly; replaces glutamic acid 37 with glycine.
Molecular consequence: missense variant.
Genome position (GRCh38, 1-based): chr1:156,115,028, A>G. VCF-style: chr1-156115028-A-G. GRCh37 (hg19) VCF-style: chr1-156084819-A-G.
Other names: c.110A>G, p.Glu37Gly (NM_001282625.2, NM_001282626.2, NM_001406983.1 and 6 more transcripts); c.-314A>G (NM_001406986.1); c.-292A>G (NM_001406990.1, NM_001406995.1, NM_001407002.1); c.-555A>G (NM_001406994.1, NM_001407000.1); c.-735A>G (NM_001406999.1); c.-398A>G (NM_001407001.1); short protein forms E37G.
Identifiers: ClinVar variation 1718066 (VCV001718066.5), dbSNP rs2527830941, ClinGen allele CA342807606.

ClinVar aggregate classification (germline): Uncertain significance (1 of 4 stars; one submission).

Conditions:
Charcot-Marie-Tooth disease type 2. Also called: Charcot-Marie-Tooth type 2. Identifiers: Orphanet 64746, MedGen C0270914, MONDO:0018993.

Submission:

Labcorp Genetics (formerly Invitae), Labcorp
Classification: Uncertain significance for Charcot-Marie-Tooth disease type 2. Last evaluated: 2022-08-26. Review status: criteria provided, single submitter. Criteria: Invitae Variant Classification Sherloc (09022015). Collection method: clinical testing. Allele origin: germline.
Comment: This variant is not present in population databases (gnomAD no frequency). This variant has not been reported in the literature in individuals affected with LMNA-related conditions. Algorithms developed to predict the effect of missense changes on protein structure and function are either unavailable or do not agree on the potential impact of this missense change (SIFT: "Deleterious"; PolyPhen-2: "Benign"; Align-GVGD: "Class C65"). In summary, the available evidence is currently insufficient to determine the role of this variant in disease. Therefore, it has been classified as a Variant of Uncertain Significance. This sequence change replaces glutamic acid, which is acidic and polar, with glycine, which is neutral and non-polar, at codon 37 of the LMNA protein (p.Glu37Gly).